The following is an entry in ClinVar:

ClinVar aggregate classification (germline): Uncertain significance (1 of 4 stars; one submission).

Conditions:
Cardiomyopathy (CMYO). Also called: Cardiomyopathies. Identifiers: Orphanet 167848, MedGen C0878544, MONDO:0004994, HP:0001638. Inheritance: Various modes of inheritance.

Submission:

All of Us Research Program, National Institutes of Health
Classification: Uncertain significance for Cardiomyopathy. Last evaluated: 2024-03-24. Review status: criteria provided, single submitter. Criteria: ACMG Guidelines, 2015. Collection method: clinical testing. Allele origin: germline. Inheritance: Autosomal dominant inheritance. Observed: 1 variant allele, 1 heterozygote.
Comment: This variant deletes 1 nucleotide in exon 19 of the MYH7 gene, creating a frameshift and premature translation stop signal. This variant is expected to result in an absent or non-functional protein product. To our knowledge, this variant has not been reported in individuals affected with MYH7-related disorders in the literature. This variant has not been identified in the general population by the Genome Aggregation Database (gnomAD). Clinical relevance of loss-of-function MYH7 truncation variants in autosomal dominant cardiovascular disorders is not clearly established. The available evidence is insufficient to determine the role of this variant in disease conclusively. Therefore, this variant is classified as a Variant of Uncertain Significance.

This study involves interpretation of variants in research participants for the purpose of population health screening. Participant phenotype was not available at the time of variant classification. Additional details can be found in publication PMID: 35346344, PMCID: PMC8962531

NM_000257.4(MYH7):c.2107del (p.Arg703fs)

Gene: MYH7 (myosin heavy chain 7; minus strand). Cytogenetic location: 14q11.2.
Variant type: Deletion.
Coding change: c.2107del on transcript NM_000257.4 (MANE Select); coding-DNA position 2107, one base deleted (C; older notation c.2107delC).
Protein change: p.Arg703fs; shifts the reading frame from arginine 703.
Molecular consequence: frameshift variant.
Genome position (GRCh38, 1-based): chr14:23,426,019, G deleted on the plus strand (C on the coding strand, the reverse complement: MYH7 is on the minus strand); the first of 2 consecutive G bases (chr14:23,426,019-23,426,020); deleting either gives the same sequence. VCF-style (leftmost placement, unchanged base first): chr14-23426018-CG-C. GRCh37 (hg19) VCF-style: chr14-23895227-CG-C.
Other names: c.2107del, p.Arg703fs (NM_001407004.1); short protein forms R703fs.
Identifiers: ClinVar variation 3387342 (VCV003387342.1).